The following is an entry in ClinVar:

ClinVar aggregate classification (germline): Uncertain significance. Review status: criteria provided, multiple submitters, no conflicts (2 of 4 stars). 2 submissions from 2 submitters: Uncertain significance (2). Last evaluated 2025-06-07.

gnomAD v4.1: 30 of 1,544,814 alleles (0.0019%); highest among the groups gnomAD compares: African/African-American, 0.0095%; no homozygotes.

Submissions (2):

Ambry Genetics
Classification: Uncertain significance. Last evaluated: 2025-06-07. Review status: criteria provided, single submitter. Criteria: Ambry Variant Classification Scheme 2023. Collection method: clinical testing. Allele origin: germline.

Labcorp Genetics (formerly Invitae), Labcorp
Classification: Uncertain significance. Last evaluated: 2023-01-15. Review status: criteria provided, single submitter. Criteria: Invitae Variant Classification Sherloc (09022015). Collection method: clinical testing. Allele origin: germline.
Comment: This variant has not been reported in the literature in individuals affected with TERF2IP-related conditions. This variant is not present in population databases (gnomAD no frequency). This sequence change replaces glycine, which is neutral and non-polar, with arginine, which is basic and polar, at codon 116 of the TERF2IP protein (p.Gly116Arg). ClinVar contains an entry for this variant (Variation ID: 1731723). In summary, the available evidence is currently insufficient to determine the role of this variant in disease. Therefore, it has been classified as a Variant of Uncertain Significance. Algorithms developed to predict the effect of missense changes on protein structure and function are either unavailable or do not agree on the potential impact of this missense change (SIFT: "Deleterious"; PolyPhen-2: "Benign"; Align-GVGD: "Class C0").

NM_018975.4(TERF2IP):c.346G>C (p.Gly116Arg)

Gene: TERF2IP (TERF2 interacting protein; plus strand). Cytogenetic location: 16q23.1.
Variant type: single nucleotide variant.
Coding change: c.346G>C on transcript NM_018975.4 (MANE Select); coding-DNA position 346, G replaced by C.
Protein change: p.Gly116Arg; replaces glycine 116 with arginine.
Molecular consequence: missense variant. On other transcripts: non-coding transcript variant (1).
Genome position (GRCh38, 1-based): chr16:75,648,228, G>C. VCF-style: chr16-75648228-G-C. GRCh37 (hg19) VCF-style: chr16-75682126-G-C.
Other names: short protein forms G116R.
Identifiers: ClinVar variation 1731723 (VCV001731723.6), dbSNP rs367749459, ClinGen allele CA284334409.
Genomic context (GRCh38, chr16:75,648,228, plus strand): 5'-CTGGAGGCCTATCGGCTGGGCCCCGCCTCGGCGGCGGACACCGGCTCGGAAGCAAAGCCC[G>C]GGGCCCTGGCCGAGGGCGCCGCGGAGCCGGAGCCGCAGCGGCACGCCGGGCGGATCGCCT-3'
Protein context (NP_061848.2, residues 106-126): AADTGSEAKP[Gly116Arg]ALAEGAAEPE